The following is an entry in ClinVar:

NM_001165963.4(SCN1A):c.4736T>C (p.Val1579Ala)

Genes: SCN1A (sodium voltage-gated channel alpha subunit 1; minus strand), LOC102724058 (uncharacterized LOC102724058; plus strand). Cytogenetic location: 2q24.3.
Variant type: single nucleotide variant.
Coding change: c.4736T>C on transcript NM_001165963.4 (MANE Select); coding-DNA position 4736, T replaced by C.
Protein change: p.Val1579Ala; replaces valine 1579 with alanine.
Molecular consequence: missense variant. On other transcripts: non-coding transcript variant (1).
Genome position (GRCh38, 1-based): chr2:165,994,262, A>G on the plus strand (T>C on the coding strand, the complement: SCN1A is on the minus strand). VCF-style: chr2-165994262-A-G. GRCh37 (hg19) VCF-style: chr2-166850772-A-G.
Other names: c.4652T>C, p.Val1551Ala (NM_001165964.3, NM_001353957.2, NM_001353958.2); c.4736T>C, p.Val1579Ala (NM_001202435.3, NM_001353948.2); c.4703T>C, p.Val1568Ala (NM_001353949.2, NM_001353950.2, NM_001353951.2 and 2 more transcripts); c.4700T>C, p.Val1567Ala (NM_001353954.2, NM_001353955.2); c.4649T>C, p.Val1550Ala (NM_001353960.2); c.2294T>C, p.Val765Ala (NM_001353961.2); c.4736T>C (NM_001165963.1); short protein forms V1579A, V1567A, V1550A, V1551A, V1568A, V765A.
Identifiers: ClinVar variation 2162865 (VCV002162865.5), dbSNP rs1467564075, ClinGen allele CA349071792.

ClinVar aggregate classification (germline): Uncertain significance. Review status: criteria provided, multiple submitters, no conflicts (2 of 4 stars). 2 submissions from 2 submitters: Uncertain significance (2). Last evaluated 2025-10-26.

Conditions:
Early-infantile DEE. Also called: Ohtahara syndrome; Early infantile epileptic encephalopathy with suppression bursts; Early infantile epileptic encephalopathy. Identifiers: Orphanet 1934, MedGen C0393706, MONDO:0800491.

Allele frequency attached by ClinVar (database versions not stated): gnomAD exomes below 0.00001; gnomAD 0.00001; TOPMed 0.00002.
gnomAD v4.1: 2 of 1,613,108 alleles (0.00012%); highest among the groups gnomAD compares: African/African-American, 0.0027%; no homozygotes.

Submissions (2):

Labcorp Genetics (formerly Invitae), Labcorp
Classification: Uncertain significance for Early-infantile DEE. Last evaluated: 2025-10-26. Review status: criteria provided, single submitter. Criteria: Invitae Variant Classification Sherloc (09022015). Collection method: clinical testing. Allele origin: germline.
Comment: This sequence change replaces valine, which is neutral and non-polar, with alanine, which is neutral and non-polar, at codon 1579 of the SCN1A protein (p.Val1579Ala). This variant is present in population databases (no rsID available, gnomAD 0.007%). This variant has not been reported in the literature in individuals affected with SCN1A-related conditions. ClinVar contains an entry for this variant (Variation ID: 2162865). Invitae Evidence Modeling of protein sequence and biophysical properties (such as structural, functional, and spatial information, amino acid conservation, physicochemical variation, residue mobility, and thermodynamic stability) indicates that this missense variant is expected to disrupt SCN1A protein function with a positive predictive value of 80%. In summary, the available evidence is currently insufficient to determine the role of this variant in disease. Therefore, it has been classified as a Variant of Uncertain Significance.

GeneDx
Classification: Uncertain significance. Last evaluated: 2024-04-11. Review status: criteria provided, single submitter. Criteria: GeneDx Variant Classification Process June 2021. Collection method: clinical testing. Allele origin: germline. Affected: yes.
Comment: Not observed at significant frequency in large population cohorts (gnomAD); In silico analysis supports that this missense variant has a deleterious effect on protein structure/function; Has not been previously published as pathogenic or benign to our knowledge; This substitution is predicted to be within the transmembrane segment S2 of the fourth homologous domain